The following is an entry in ClinVar:

NM_001114753.3(ENG):c.1702G>A (p.Val568Ile)

Genes: ENG (endoglin; minus strand), LOC102723566 (uncharacterized LOC102723566; plus strand). Cytogenetic location: 9q34.11.
Variant type: single nucleotide variant.
Coding change: c.1702G>A on transcript NM_001114753.3 (MANE Select); coding-DNA position 1702, G replaced by A.
Protein change: p.Val568Ile; replaces valine 568 with isoleucine.
Molecular consequence: missense variant. On other transcripts: non-coding transcript variant (1).
Genome position (GRCh38, 1-based): chr9:127,817,188, C>T on the plus strand (G>A on the coding strand, the complement: ENG is on the minus strand). VCF-style: chr9-127817188-C-T. GRCh37 (hg19) VCF-style: chr9-130579467-C-T.
Other names: p.Val568Ile; c.1702G>A, p.Val568Ile (NM_000118.4); c.1156G>A, p.Val386Ile (NM_001278138.2); short protein forms V568I, V386I.
Identifiers: ClinVar variation 407125 (VCV000407125.14), dbSNP rs781201877, ClinGen allele CA5252675.

ClinVar aggregate classification (germline): Conflicting classifications of pathogenicity. Review status: criteria provided, conflicting classifications (1 of 4 stars). 4 submissions from 4 submitters: Uncertain significance (3); Likely benign (1). Last evaluated 2026-06-16.

Conditions:
Hereditary hemorrhagic telangiectasia (HHT). Also called: ORW DISEASE; Osler Weber Rendu syndrome; OSLER-RENDU-WEBER DISEASE; Osler hemorrhagic telangiectasia syndrome. Identifiers: Orphanet 774, MedGen C0039445, MONDO:0019180. Disease mechanism: loss of function.
Telangiectasia, hereditary hemorrhagic, type 1 (HHT1). Also called: Osler Weber Rendu syndrome type 1; ENG-Related Hereditary Hemorrhagic Telangiectasia. Identifiers: Orphanet 774, MedGen C4551861, MONDO:0008535, OMIM 187300. Disease mechanism: loss of function.

Allele frequency attached by ClinVar (database versions not stated): ExAC 0.00002; TOPMed 0.00002; gnomAD exomes 0.00001; gnomAD 0.00001.
gnomAD v4.1: 12 of 1,614,112 alleles (0.00074%); highest among the groups gnomAD compares: South Asian, 0.0022%; no homozygotes.

Submissions (4):

Women's Health and Genetics/Laboratory Corporation of America, LabCorp
Classification: Uncertain significance. Last evaluated: 2026-06-16. Review status: criteria provided, single submitter. Criteria: LabCorp Variant Classification Summary - May 2015. Collection method: clinical testing. Allele origin: germline.
Comment: Variant summary: ENG c.1702G>A (p.Val568Ile) results in a conservative amino acid change in the encoded protein sequence. Algorithms developed to predict the effect of missense changes on protein structure and function all suggest that this variant is likely to be tolerated. The variant allele was found at a frequency of 8e-06 in 251320 control chromosomes. The available data on variant occurrences in the general population are insufficient to allow any conclusion about variant significance. To our knowledge, no occurrence of c.1702G>A in individuals affected with ENG-related conditions and no experimental evidence demonstrating its impact on protein function have been reported. ClinVar contains an entry for this variant (Variation ID: 407125). Based on the evidence outlined above, the variant was classified as uncertain significance.

Labcorp Genetics (formerly Invitae), Labcorp
Classification: Likely benign for Hereditary hemorrhagic telangiectasia. Last evaluated: 2025-03-31. Review status: criteria provided, single submitter. Criteria: Invitae Variant Classification Sherloc (09022015). Collection method: clinical testing. Allele origin: germline.

Fulgent Genetics
Classification: Uncertain significance for Telangiectasia, hereditary hemorrhagic, type 1. Last evaluated: 2024-05-21. Review status: criteria provided, single submitter. Criteria: ACMG Guidelines, 2015. Collection method: clinical testing. Allele origin: germline.

Mayo Clinic Laboratories, Mayo Clinic
Classification: Uncertain significance. Last evaluated: 2023-01-12. Review status: criteria provided, single submitter. Criteria: ACMG Guidelines, 2015. Collection method: clinical testing. Allele origin: germline. Observed: 2 variant alleles.
Comment: BP4